The following is an entry in ClinVar:

NM_024685.4(BBS10):c.858T>G (p.Ser286=)

Gene: BBS10 (Bardet-Biedl syndrome 10; minus strand). Cytogenetic location: 12q21.2.
Variant type: single nucleotide variant.
Coding change: c.858T>G on transcript NM_024685.4 (MANE Select); coding-DNA position 858, T replaced by G.
Protein change: p.Ser286=; no amino-acid change (serine 286 retained).
Molecular consequence: synonymous variant.
Genome position (GRCh38, 1-based): chr12:76,347,127, A>C on the plus strand (T>G on the coding strand, the complement: BBS10 is on the minus strand). VCF-style: chr12-76347127-A-C. GRCh37 (hg19) VCF-style: chr12-76740907-A-C.
Identifiers: ClinVar variation 3355351 (VCV003355351.1).

ClinVar aggregate classification (germline): Likely benign (0 of 4 stars; one submission).

Conditions:
BBS10-related disorder. Also called: BBS10-related condition.

Submission:

PreventionGenetics, part of Exact Sciences
Classification: Likely benign for BBS10-related condition. Last evaluated: 2021-12-02. Review status: no assertion criteria provided. Collection method: clinical testing. Allele origin: germline.
Comment: This variant is classified as likely benign based on ACMG/AMP sequence variant interpretation guidelines (Richards et al. 2015 PMID: 25741868, with internal and published modifications).